The following is an entry in ClinVar:

NM_004706.4(ARHGEF1):c.2535T>G (p.Asn845Lys)

Gene: ARHGEF1 (Rho guanine nucleotide exchange factor 1; plus strand). Cytogenetic location: 19q13.2.
Variant type: single nucleotide variant.
Coding change: c.2535T>G on transcript NM_004706.4 (MANE Select); coding-DNA position 2535, T replaced by G.
Protein change: p.Asn845Lys; replaces asparagine 845 with lysine.
Molecular consequence: missense variant. On other transcripts: non-coding transcript variant (2), intron variant (4).
Genome position (GRCh38, 1-based): chr19:41,906,500, T>G. VCF-style: chr19-41906500-T-G. GRCh37 (hg19) VCF-style: chr19-42410652-T-G.
Other names: c.2703T>G, p.Asn901Lys (NM_001396000.1); c.2436T>G, p.Asn812Lys (NM_198977.2); c.2580T>G, p.Asn860Lys (NM_199002.2); c.2492-203T>G (NM_001396003.1, NM_001396006.1); c.2393-203T>G (NM_001396002.1, NM_001396004.1); short protein forms N901K, N812K, N845K, N860K.
Identifiers: ClinVar variation 3669458 (VCV003669458.2).

ClinVar aggregate classification (germline): Uncertain significance (1 of 4 stars; one submission).

gnomAD v4.1: 12 of 1,580,474 alleles (0.00076%); highest among the groups gnomAD compares: African/African-American, 0.0014%; no homozygotes.

Submission:

Labcorp Genetics (formerly Invitae), Labcorp
Classification: Uncertain significance. Last evaluated: 2025-04-07. Review status: criteria provided, single submitter. Criteria: Invitae Variant Classification Sherloc (09022015). Collection method: clinical testing. Allele origin: germline.
Comment: This sequence change replaces asparagine, which is neutral and polar, with lysine, which is basic and polar, at codon 860 of the ARHGEF1 protein (p.Asn860Lys). This variant is present in population databases (rs782333800, gnomAD 0.004%). This variant has not been reported in the literature in individuals affected with ARHGEF1-related conditions. ClinVar contains an entry for this variant (Variation ID: 3669458). An algorithm developed to predict the effect of missense changes on protein structure and function (PolyPhen-2) suggests that this variant is likely to be tolerated. In summary, the available evidence is currently insufficient to determine the role of this variant in disease. Therefore, it has been classified as a Variant of Uncertain Significance.